The following is an entry in ClinVar:

ClinVar aggregate classification (germline): Uncertain significance (1 of 4 stars; one submission).

Conditions:
Inborn genetic diseases. Identifiers: MedGen C0950123, MeSH D030342.

Submission:

Ambry Genetics
Classification: Uncertain significance for Inborn genetic diseases. Last evaluated: 2026-03-01. Review status: criteria provided, single submitter. Criteria: Ambry Variant Classification Scheme 2023. Collection method: clinical testing. Allele origin: germline.
Comment: The p.A263T variant (also known as c.787G>A), located in coding exon 9 of the RTEL1 gene, results from a G to A substitution at nucleotide position 787. The alanine at codon 263 is replaced by threonine, an amino acid with similar properties. This amino acid position is conserved. In addition, the in silico prediction for this alteration is inconclusive. Based on the available evidence, the clinical significance of this variant remains unclear.

NM_001283009.2(RTEL1):c.787G>A (p.Ala263Thr)

Genes: RTEL1 (regulator of telomere elongation helicase 1; plus strand), RTEL1-TNFRSF6B (RTEL1-TNFRSF6B readthrough (NMD candidate); plus strand). Cytogenetic location: 20q13.33.
Variant type: single nucleotide variant.
Coding change: c.787G>A on transcript NM_001283009.2 (MANE Select); coding-DNA position 787, G replaced by A.
Protein change: p.Ala263Thr; replaces alanine 263 with threonine.
Molecular consequence: missense variant. On other transcripts: non-coding transcript variant (1).
Genome position (GRCh38, 1-based): chr20:63,673,961, G>A. VCF-style: chr20-63673961-G-A. GRCh37 (hg19) VCF-style: chr20-62305314-G-A.
Other names: c.118G>A, p.Ala40Thr (NM_001283010.1); c.787G>A, p.Ala263Thr (NM_016434.4); c.859G>A, p.Ala287Thr (NM_032957.5); short protein forms A40T, A263T, A287T.
Identifiers: ClinVar variation 4827707 (VCV004827707.1).
Genomic context (GRCh38, chr20:63,673,961, plus strand): 5'-GTCCTGTTCTGTGGTGATTCGGGTGTGCTTGGGCTCTAGGAGAAGATGTGTGAAGAATCG[G>A]CATCCTTTGACCTGACTCCCCATGACCTGGCTTCAGGACTGGACGTCATAGACCAGGTGC-3'
Protein context (NP_001269938.1, residues 253-273): HNVEKMCEES[Ala263Thr]SFDLTPHDLA